The following is an entry in ClinVar:

ClinVar aggregate classification (germline): Uncertain significance. Review status: criteria provided, multiple submitters, no conflicts (2 of 4 stars). 2 submissions from 2 submitters: Uncertain significance (2). Last evaluated 2025-03-18.

Conditions:
Malignant hyperthermia, susceptibility to, 1 (MHS1). Also called: RYR1-Related Malignant Hyperthermia Susceptibility; Anesthesia related hyperthermia; Malignant hyperpyrexia; Fulminating hyperpyrexia; Pharmacogenic myopathy; Malignant hyperthermia suceptibility 1. Identifiers: Orphanet 423, MedGen C2930980, MONDO:0007783, OMIM 145600.

gnomAD v4.1: 1 of 1,611,876 alleles (0.000062%); highest among the groups gnomAD compares: Non-Finnish European, 0.000085%; no homozygotes.

Submissions (2):

GeneDx
Classification: Uncertain significance. Last evaluated: 2025-03-18. Review status: criteria provided, single submitter. Criteria: GeneDx Variant Classification Process June 2021. Collection method: clinical testing. Allele origin: germline. Affected: yes.
Comment: Not observed at significant frequency in large population cohorts (gnomAD); In silico analysis supports that this missense variant has a deleterious effect on protein structure/function; Has not been previously published as pathogenic or benign to our knowledge

All of Us Research Program, National Institutes of Health
Classification: Uncertain significance for Malignant hyperthermia, susceptibility to, 1. Last evaluated: 2023-03-04. Review status: criteria provided, single submitter. Criteria: ACMG Guidelines, 2015. Collection method: clinical testing. Allele origin: germline. Inheritance: Autosomal dominant inheritance. Observed: 1 variant allele, 1 heterozygote.
Comment: This study involves interpretation of variants in research participants for the purpose of population health screening. Participant phenotype was not available at the time of variant classification. Additional details can be found in publication PMID: 35346344, PMCID: PMC8962531

NM_000540.3(RYR1):c.7673T>G (p.Val2558Gly)

Gene: RYR1 (ryanodine receptor 1; plus strand). Cytogenetic location: 19q13.2.
Variant type: single nucleotide variant.
Coding change: c.7673T>G on transcript NM_000540.3 (MANE Select); coding-DNA position 7673, T replaced by G.
Protein change: p.Val2558Gly; replaces valine 2558 with glycine.
Molecular consequence: missense variant.
Genome position (GRCh38, 1-based): chr19:38,502,565, T>G. VCF-style: chr19-38502565-T-G. GRCh37 (hg19) VCF-style: chr19-38993205-T-G.
Other names: c.7673T>G, p.Val2558Gly (NM_001042723.2); short protein forms V2558G.
Identifiers: ClinVar variation 3069439 (VCV003069439.2), dbSNP rs777134421, ClinGen allele CA405671564.